The following is an entry in ClinVar:

ClinVar aggregate classification (germline): Uncertain significance (1 of 4 stars; one submission).

gnomAD v4.1: 19 of 1,172,478 alleles (0.0016%); highest among the groups gnomAD compares: Admixed American, 0.0044%; no homozygotes.

Submission:

Women's Health and Genetics/Laboratory Corporation of America, LabCorp
Classification: Uncertain significance. Last evaluated: 2025-10-06. Review status: criteria provided, single submitter. Criteria: LabCorp Variant Classification Summary - May 2015. Collection method: clinical testing. Allele origin: germline.
Comment: Variant summary: DRP2 c.-19C>G is located in the untranslated mRNA region upstream of the initiation codon. The variant allele was found at a frequency of 5.5e-06 in 183254 control chromosomes. The available data on variant occurrences in the general population are insufficient to allow any conclusion about variant significance. To our knowledge, no occurrence of c.-19C>G in individuals affected with DRP2-related conditions and no experimental evidence demonstrating its impact on protein function have been reported. No submitters have cited clinical-significance assessments for this variant to ClinVar. Based on the evidence outlined above, the variant was classified as uncertain significance.

NM_001939.3(DRP2):c.-19C>G

Gene: DRP2 (dystrophin related protein 2; plus strand). Cytogenetic location: Xq22.1.
Variant type: single nucleotide variant.
Coding change: c.-19C>G on transcript NM_001939.3 (MANE Select); 19 bases upstream of the start codon, C replaced by G.
Molecular consequence: 5 prime UTR variant. On other transcripts: intron variant (1).
Genome position (GRCh38, 1-based): chrX:101,231,629, C>G. VCF-style: chrX-101231629-C-G. GRCh37 (hg19) VCF-style: chrX-100486618-C-G.
Other names: c.-117-4231C>G (NM_001171184.2).
Identifiers: ClinVar variation 4687556 (VCV004687556.1).
Genomic context (GRCh38, chrX:101,231,629, plus strand): 5'-TGTATTGCTTTTCCAGGTGCTTAATGATCAATAGTTGGTGCACTGCCTATCCTCATCCCC[C>G]CCATGAGCCTTGGTTTTTATGCAACCTATGGTCATGCAGGGATGCCCTTACACCCTCCCA-3'